The following is an entry in ClinVar:

ClinVar aggregate classification (germline): Pathogenic/Likely pathogenic. Review status: criteria provided, multiple submitters, no conflicts (2 of 4 stars). 6 submissions from 6 submitters: Pathogenic (3); Likely pathogenic (3). Last evaluated 2024-03-08.

Conditions:
Hereditary cancer-predisposing syndrome. Also called: Neoplastic Syndromes, Hereditary; Hereditary neoplastic syndrome; Tumor predisposition; Hereditary Cancer Syndrome. Identifiers: Orphanet 140162, MedGen C0027672, MeSH D009386, MONDO:0015356.
Aplastic anemia. Identifiers: Orphanet 182040, Orphanet 88, MedGen C0002874, MONDO:0015909, OMIM 609135, HP:0001915.
Microcephaly, normal intelligence and immunodeficiency (NBS). Also called: Immunodeficiency, microcephaly with normal intelligence; IMMUNODEFICIENCY, MICROCEPHALY, AND CHROMOSOMAL INSTABILITY; BERLIN BREAKAGE SYNDROME; SEEMANOVA SYNDROME II; Ataxia telangiectasia variant V1; Nijmegen breakage syndrome. Identifiers: Orphanet 647, MedGen C0398791, MONDO:0009623, OMIM 251260.

Allele frequency attached by ClinVar (database versions not stated): TOPMed below 0.00001; gnomAD exomes 0.00001; ExAC 0.00002.

Submissions (6):

Baylor Genetics
Classification: Likely pathogenic for Aplastic anemia. Last evaluated: 2024-03-08. Review status: criteria provided, single submitter. Criteria: ACMG Guidelines, 2015. Collection method: clinical testing. Allele origin: unknown.

Labcorp Genetics (formerly Invitae), Labcorp
Classification: Pathogenic for Microcephaly, normal intelligence and immunodeficiency. Last evaluated: 2023-08-30. Review status: criteria provided, single submitter. Criteria: Invitae Variant Classification Sherloc (09022015). Collection method: clinical testing. Allele origin: germline.
Comment: For these reasons, this variant has been classified as Pathogenic. ClinVar contains an entry for this variant (Variation ID: 545793). This variant has not been reported in the literature in individuals affected with NBN-related conditions. This variant is present in population databases (rs758708229, gnomAD 0.002%). This sequence change creates a premature translational stop signal (p.Gly21Alafs*14) in the NBN gene. It is expected to result in an absent or disrupted protein product. Loss-of-function variants in NBN are known to be pathogenic (PMID: 9590180, 16415040).

Women's Health and Genetics/Laboratory Corporation of America, LabCorp
Classification: Likely pathogenic for Microcephaly, normal intelligence and immunodeficiency. Last evaluated: 2022-05-23. Review status: criteria provided, single submitter. Criteria: LabCorp Variant Classification Summary - May 2015. Collection method: clinical testing. Allele origin: germline.
Comment: Variant summary: NBN c.60delT (p.Gly21AlafsX14) results in a premature termination codon, predicted to cause a truncation of the encoded protein or absence of the protein due to nonsense mediated decay, which are commonly known mechanisms for disease. Truncations downstream of this position have been classified as pathogenic by our laboratory. The variant allele was found at a frequency of 8e-06 in 251330 control chromosomes. To our knowledge, no occurrence of c.60delT in individuals affected with Nijmegen Breakage Syndrome has been reported. Five clinical diagnostic laboratories have submitted clinical-significance assessments for this variant to ClinVar after 2014 without evidence for independent evaluation. Four laboratories classified the variant as pathogenic and one classified it as likely pathogenic. Based on the evidence outlined above, the variant was classified as likely pathogenic.

GeneDx
Classification: Likely pathogenic. Last evaluated: 2021-11-08. Review status: criteria provided, single submitter. Criteria: GeneDx Variant Classification Process June 2021. Collection method: clinical testing. Allele origin: germline. Affected: yes.
Comment: Frameshift variant predicted to result in protein truncation or nonsense mediated decay in a gene for which loss-of-function is a known mechanism of disease; Not observed at significant frequency in large population cohorts (Lek et al., 2016); Has not been previously published as pathogenic or benign to our knowledge

Genome-Nilou Lab
Classification: Pathogenic for Microcephaly, normal intelligence and immunodeficiency. Last evaluated: 2021-11-07. Review status: criteria provided, single submitter. Criteria: ACMG Guidelines, 2015. Collection method: clinical testing. Allele origin: germline. Affected: no.

Ambry Genetics
Classification: Pathogenic for Hereditary cancer-predisposing syndrome. Last evaluated: 2018-11-13. Review status: criteria provided, single submitter. Criteria: Ambry Variant Classification Scheme 2023. Collection method: clinical testing. Allele origin: germline.
Comment: The c.60delT pathogenic mutation, located in coding exon 2 of the NBN gene, results from a deletion of one nucleotide at nucleotide position 60, causing a translational frameshift with a predicted alternate stop codon (p.G21Afs*14). This alteration is expected to result in loss of function by premature protein truncation or nonsense-mediated mRNA decay. As such, this alteration is interpreted as a disease-causing mutation.

Literature cited by the submitters: PubMed 9590180 (cited by Labcorp Genetics (formerly Invitae), Labcorp); PubMed 16415040 (cited by Labcorp Genetics (formerly Invitae), Labcorp).

NM_002485.5(NBN):c.60del (p.Gly21fs)

Gene: NBN (nibrin; minus strand). Cytogenetic location: 8q21.3.
Variant type: Deletion.
Coding change: c.60del on transcript NM_002485.5 (MANE Select); coding-DNA position 60, one base deleted (T; older notation c.60delT).
Protein change: p.Gly21fs; shifts the reading frame from glycine 21.
Molecular consequence: frameshift variant. On other transcripts: 5 prime UTR variant (1).
Genome position (GRCh38, 1-based): chr8:89,982,833, A deleted on the plus strand (T on the coding strand, the reverse complement: NBN is on the minus strand). VCF-style (leftmost placement, unchanged base first): chr8-89982832-CA-C. GRCh37 (hg19) VCF-style: chr8-90995060-CA-C.
Other names: c.60delT (NM_002485.4); c.-237del (NM_001024688.3); short protein forms G21fs.
Identifiers: ClinVar variation 545793 (VCV000545793.25), dbSNP rs758708229, ClinGen allele CA4803062.